The following is an entry in ClinVar:

ClinVar aggregate classification (germline): Uncertain significance (1 of 4 stars; one submission).

Conditions:
NRP2-related disorder. Also called: NRP2-related condition.

Submission:

PreventionGenetics, part of Exact Sciences
Classification: Uncertain significance for NRP2-related condition. Last evaluated: 2026-01-15. Review status: criteria provided, single submitter. Criteria: ACMG Guidelines, 2015. Collection method: clinical testing. Allele origin: germline.
Comment: The NRP2 c.2581T>C variant is predicted to result in the amino acid substitution p.Tyr861His. To our knowledge, this variant has not been reported in the literature or in a large population database (gnomAD), indicating this variant is rare. At this time, the clinical significance of this variant is uncertain due to the absence of conclusive functional and genetic evidence.

NM_003872.3(NRP2):c.2425+9583T>C

Gene: NRP2 (neuropilin 2; plus strand). Cytogenetic location: 2q33.3.
Variant type: single nucleotide variant.
Coding change: c.2425+9583T>C on transcript NM_003872.3 (MANE Select); 9583 bases into the intron after coding-DNA position 2425, T replaced by C.
Molecular consequence: intron variant. On other transcripts: missense variant (2).
Genome position (GRCh38, 1-based): chr2:205,776,386, T>C. VCF-style: chr2-205776386-T-C. GRCh37 (hg19) VCF-style: chr2-206641110-T-C.
Other names: c.2581T>C, p.Tyr861His (NM_018534.4); c.2566T>C, p.Tyr856His (NM_201267.2); c.2440+9568T>C (NM_201266.2); c.2425+9583T>C (NM_201279.2); short protein forms Y856H, Y861H.
Identifiers: ClinVar variation 4992900 (VCV004992900.1).